The following is an entry in ClinVar:

ClinVar aggregate classification (germline): Uncertain significance (1 of 4 stars; one submission).

Conditions:
Vici syndrome (VICIS). Identifiers: Orphanet 1493, MedGen C1855772, MONDO:0009452, OMIM 242840.

Allele frequency attached by ClinVar (database versions not stated): ExAC 0.00002; gnomAD 0.00002 and 0.00003; gnomAD exomes 0.00002 and 0.00004; TOPMed 0.00003.
gnomAD v4.1: 72 of 1,614,090 alleles (0.0045%); highest among the groups gnomAD compares: East Asian, 0.0089%; no homozygotes.

Submission:

Labcorp Genetics (formerly Invitae), Labcorp
Classification: Uncertain significance for Vici syndrome. Last evaluated: 2024-12-16. Review status: criteria provided, single submitter. Criteria: Invitae Variant Classification Sherloc (09022015). Collection method: clinical testing. Allele origin: germline.
Comment: This sequence change replaces methionine, which is neutral and non-polar, with leucine, which is neutral and non-polar, at codon 2276 of the EPG5 protein (p.Met2276Leu). This variant is present in population databases (rs748788401, gnomAD 0.005%). This variant has not been reported in the literature in individuals affected with EPG5-related conditions. ClinVar contains an entry for this variant (Variation ID: 1426143). Invitae Evidence Modeling of protein sequence and biophysical properties (such as structural, functional, and spatial information, amino acid conservation, physicochemical variation, residue mobility, and thermodynamic stability) indicates that this missense variant is not expected to disrupt EPG5 protein function with a negative predictive value of 80%. In summary, the available evidence is currently insufficient to determine the role of this variant in disease. Therefore, it has been classified as a Variant of Uncertain Significance.

NM_020964.3(EPG5):c.6826A>T (p.Met2276Leu)

Gene: EPG5 (ectopic P-granules 5 autophagy tethering factor; minus strand). Cytogenetic location: 18q12.3.
Variant type: single nucleotide variant.
Coding change: c.6826A>T on transcript NM_020964.3 (MANE Select); coding-DNA position 6826, A replaced by T.
Protein change: p.Met2276Leu; replaces methionine 2276 with leucine.
Molecular consequence: missense variant.
Genome position (GRCh38, 1-based): chr18:45,860,287, T>A on the plus strand (A>T on the coding strand, the complement: EPG5 is on the minus strand). VCF-style: chr18-45860287-T-A. GRCh37 (hg19) VCF-style: chr18-43440252-T-A.
Other names: short protein forms M2276L.
Identifiers: ClinVar variation 1426143 (VCV001426143.7), dbSNP rs748788401, ClinGen allele CA8948136.